The following is an entry in ClinVar:

ClinVar aggregate classification (germline): Likely pathogenic (1 of 4 stars; one submission).

Conditions:
Retinal disorder. Also called: Retinopathy; Retinopathies; Retinal Diseases; Retinal disorders. Identifiers: MedGen C0035309, MONDO:0005283, HP:0000488.

Submission:

North West Genomic Laboratory Hub, Manchester University NHS Foundation Trust
Classification: Likely pathogenic for Retinal disorders. Last evaluated: 2025-11-14. Review status: criteria provided, single submitter. Criteria: ACGS Best Practice Guidelines for Variant Classification in Rare Disease 2024. Collection method: clinical testing. Allele origin: germline. Affected: yes.
Comment: PP4_Supp PM2_Mod PM5_Str PP3_Supp

NM_006915.3(RP2):c.352C>A (p.Arg118Ser)

Gene: RP2 (RP2 activator of ARL3 GTPase; plus strand). Cytogenetic location: Xp11.3.
Variant type: single nucleotide variant.
Coding change: c.352C>A on transcript NM_006915.3 (MANE Select); coding-DNA position 352, C replaced by A.
Protein change: p.Arg118Ser; replaces arginine 118 with serine.
Molecular consequence: missense variant.
Genome position (GRCh38, 1-based): chrX:46,853,725, C>A. VCF-style: chrX-46853725-C-A. GRCh37 (hg19) VCF-style: chrX-46713160-C-A.
Other names: short protein forms R118S.
Identifiers: ClinVar variation 4887992 (VCV004887992.1).